The following is an entry in ClinVar:

NM_016156.6(MTMR2):c.248A>C (p.Asn83Thr)

Gene: MTMR2 (myotubularin related protein 2; minus strand). Cytogenetic location: 11q21.
Variant type: single nucleotide variant.
Coding change: c.248A>C on transcript NM_016156.6 (MANE Select); coding-DNA position 248, A replaced by C.
Protein change: p.Asn83Thr; replaces asparagine 83 with threonine.
Molecular consequence: missense variant.
Genome position (GRCh38, 1-based): chr11:95,865,615, T>G on the plus strand (A>C on the coding strand, the complement: MTMR2 is on the minus strand). VCF-style: chr11-95865615-T-G. GRCh37 (hg19) VCF-style: chr11-95598779-T-G.
Other names: c.32A>C, p.Asn11Thr (NM_001243571.2, NM_201278.3, NM_201281.3); short protein forms N11T, N83T.
Identifiers: ClinVar variation 949092 (VCV000949092.9), dbSNP rs757664332, ClinGen allele CA226614820.

ClinVar aggregate classification (germline): Uncertain significance (1 of 4 stars; one submission).

Conditions:
Charcot-Marie-Tooth disease type 4. Also called: Charcot-Marie-Tooth, Type 4; Charcot-Marie-Tooth disease, type IV. Identifiers: Orphanet 64749, MedGen C4082197, MONDO:0018995.

Allele frequency attached by ClinVar (database versions not stated): gnomAD exomes below 0.00001 and 0.00001; gnomAD 0.00001; TOPMed 0.00002.
gnomAD v4.1: 7 of 1,613,604 alleles (0.00043%); highest among the groups gnomAD compares: East Asian, 0.0045%; no homozygotes.

Submission:

Labcorp Genetics (formerly Invitae), Labcorp
Classification: Uncertain significance for Charcot-Marie-Tooth disease type 4. Last evaluated: 2019-06-05. Review status: criteria provided, single submitter. Criteria: Invitae Variant Classification Sherloc (09022015). Collection method: clinical testing. Allele origin: germline.
Comment: This sequence change replaces asparagine with threonine at codon 83 of the MTMR2 protein (p.Asn83Thr). The asparagine residue is weakly conserved and there is a small physicochemical difference between asparagine and threonine. This variant is not present in population databases (ExAC no frequency). In summary, the available evidence is currently insufficient to determine the role of this variant in disease. Therefore, it has been classified as a Variant of Uncertain Significance. Algorithms developed to predict the effect of missense changes on protein structure and function (SIFT, PolyPhen-2, Align-GVGD) all suggest that this variant is likely to be tolerated, but these predictions have not been confirmed by published functional studies and their clinical significance is uncertain. This variant has not been reported in the literature in individuals with MTMR2-related conditions.